The following is an entry in ClinVar:

NM_000370.3(TTPA):c.552+1G>T

Gene: TTPA (alpha tocopherol transfer protein; minus strand). Cytogenetic location: 8q12.3.
Variant type: single nucleotide variant.
Coding change: c.552+1G>T on transcript NM_000370.3 (MANE Select); the canonical splice donor site of the intron after coding-DNA position 552, G replaced by T.
Molecular consequence: splice donor variant. On other transcripts: intron variant (3).
Genome position (GRCh38, 1-based): chr8:63,065,903, C>A on the plus strand (G>T on the coding strand, the complement: TTPA is on the minus strand). VCF-style: chr8-63065903-C-A. GRCh37 (hg19) VCF-style: chr8-63978462-C-A.
Other names: c.205-4478G>T (NM_001413417.1); c.205-1587G>T (NM_001413414.1); c.359-4478G>T (NM_001413415.1); c.552+1G>T (NM_001413416.1); c.669+1G>T (NM_001413418.1).
Identifiers: ClinVar variation 1479528 (VCV001479528.6), dbSNP rs2129745568, ClinGen allele CA371332292.
Genomic context (GRCh38, chr8:63,065,903, plus strand): 5'-TAACAAAATTTAAAACTATAATTTGGAAGTATTATGCCTGACAGTTAAAATATACATTTA[C>A]CGTAAGTACAGCAGCAATCTTCTTGGCTACGGATGGAGTGATTTGAAAAGCATGAGAAAA-3'

ClinVar aggregate classification (germline): Likely pathogenic (1 of 4 stars; one submission).

gnomAD v4.1: 1 of 1,613,794 alleles (0.000062%); highest among the groups gnomAD compares: Non-Finnish European, 0.000085%; no homozygotes.

Submission:

Labcorp Genetics (formerly Invitae), Labcorp
Classification: Likely pathogenic. Last evaluated: 2021-10-15. Review status: criteria provided, single submitter. Criteria: Invitae Variant Classification Sherloc (09022015). Collection method: clinical testing. Allele origin: germline.
Comment: This sequence change affects a donor splice site in intron 3 of the TTPA gene. It is expected to disrupt RNA splicing. Variants that disrupt the donor or acceptor splice site typically lead to a loss of protein function (PMID: 16199547), and loss-of-function variants in TTPA are known to be pathogenic (PMID: 9463307, 26068213). This variant is not present in population databases (ExAC no frequency). In summary, the currently available evidence indicates that the variant is pathogenic, but additional data are needed to prove that conclusively. Therefore, this variant has been classified as Likely Pathogenic. Algorithms developed to predict the effect of sequence changes on RNA splicing suggest that this variant may disrupt the consensus splice site. This variant has not been reported in the literature in individuals affected with TTPA-related conditions.

Literature cited by the submitters: PubMed 16199547; PubMed 9463307; PubMed 26068213.